The following is an entry in ClinVar:

NM_003238.6(TGFB2):c.164A>G (p.Glu55Gly)

Gene: TGFB2 (transforming growth factor beta 2; plus strand). Cytogenetic location: 1q41.
Variant type: single nucleotide variant.
Coding change: c.164A>G on transcript NM_003238.6 (MANE Select); coding-DNA position 164, A replaced by G.
Protein change: p.Glu55Gly; replaces glutamic acid 55 with glycine.
Molecular consequence: missense variant. On other transcripts: non-coding transcript variant (2).
Genome position (GRCh38, 1-based): chr1:218,346,865, A>G. VCF-style: chr1-218346865-A-G. GRCh37 (hg19) VCF-style: chr1-218520207-A-G.
Other names: c.164A>G, p.Glu55Gly (NM_001135599.4); short protein forms E55G.
Identifiers: ClinVar variation 1513541 (VCV001513541.6), dbSNP rs1656700353, ClinGen allele CA344725426.
Genomic context (GRCh38, chr1:218,346,865, plus strand): 5'-AGAGGATCGAGGCGATCCGCGGGCAGATCCTGAGCAAGCTGAAGCTCACCAGTCCCCCAG[A>G]AGACTATCCTGAGCCCGAGGAAGTCCCCCCGGAGGTGATTTCCATCTACAACAGCACCAG-3'
Protein context (NP_003229.1, residues 45-65): LSKLKLTSPP[Glu55Gly]DYPEPEEVPP

ClinVar aggregate classification (germline): Uncertain significance (1 of 4 stars; one submission).

Conditions:
Loeys-Dietz syndrome 4 (LDS4). Also called: ANEURYSM, AORTIC AND CEREBRAL, WITH ARTERIAL TORTUOSITY AND SKELETAL MANIFESTATIONS; TGFB2-Related Loeys-Dietz Syndrome. Identifiers: MedGen C3553762, MONDO:0013897, OMIM 614816.

Submission:

Labcorp Genetics (formerly Invitae), Labcorp
Classification: Uncertain significance for Loeys-Dietz syndrome 4. Last evaluated: 2024-10-23. Review status: criteria provided, single submitter. Criteria: Invitae Variant Classification Sherloc (09022015). Collection method: clinical testing. Allele origin: germline.
Comment: This sequence change replaces glutamic acid, which is acidic and polar, with glycine, which is neutral and non-polar, at codon 55 of the TGFB2 protein (p.Glu55Gly). This variant is not present in population databases (gnomAD no frequency). This variant has not been reported in the literature in individuals affected with TGFB2-related conditions. ClinVar contains an entry for this variant (Variation ID: 1513541). Invitae Evidence Modeling of protein sequence and biophysical properties (such as structural, functional, and spatial information, amino acid conservation, physicochemical variation, residue mobility, and thermodynamic stability) indicates that this missense variant is not expected to disrupt TGFB2 protein function with a negative predictive value of 80%. In summary, the available evidence is currently insufficient to determine the role of this variant in disease. Therefore, it has been classified as a Variant of Uncertain Significance.